The following is an entry in ClinVar:

NM_001206999.2(CIT):c.520A>G (p.Met174Val)

Gene: CIT (citron rho-interacting serine/threonine kinase; minus strand). Cytogenetic location: 12q24.23.
Variant type: single nucleotide variant.
Coding change: c.520A>G on transcript NM_001206999.2 (MANE Select); coding-DNA position 520, A replaced by G.
Protein change: p.Met174Val; replaces methionine 174 with valine.
Molecular consequence: missense variant.
Genome position (GRCh38, 1-based): chr12:119,834,225, T>C on the plus strand (A>G on the coding strand, the complement: CIT is on the minus strand). VCF-style: chr12-119834225-T-C. GRCh37 (hg19) VCF-style: chr12-120272029-T-C.
Other names: c.520A>G, p.Met174Val (NM_007174.3); short protein forms M174V.
Identifiers: ClinVar variation 2052530 (VCV002052530.4), dbSNP rs2502717132, ClinGen allele CA386546498.
Genomic context (GRCh38, chr12:119,834,225, plus strand): 5'-CTAACTGGTCCTCATATCTATTCAAAAGTGACAGCAAGTCCCCTCCAGGCTGATATTCCA[T>C]GACCTGTATAGAATGCCAAAGTTATTAATTCTTCACACACCCAAAAATAGGGAATGCCTC-3'
Protein context (NP_001193928.1, residues 164-184): FQDKNHLYLV[Met174Val]EYQPGGDLLS

ClinVar aggregate classification (germline): Uncertain significance (1 of 4 stars; one submission).

Allele frequency attached by ClinVar (database versions not stated): gnomAD exomes below 0.00001.

Submission:

Labcorp Genetics (formerly Invitae), Labcorp
Classification: Uncertain significance. Last evaluated: 2021-12-22. Review status: criteria provided, single submitter. Criteria: Invitae Variant Classification Sherloc (09022015). Collection method: clinical testing. Allele origin: germline.
Comment: Algorithms developed to predict the effect of missense changes on protein structure and function are either unavailable or do not agree on the potential impact of this missense change (SIFT: "Deleterious"; PolyPhen-2: "Possibly Damaging"; Align-GVGD: "Class C0"). This variant has not been reported in the literature in individuals affected with CIT-related conditions. This variant is not present in population databases (gnomAD no frequency). This sequence change replaces methionine, which is neutral and non-polar, with valine, which is neutral and non-polar, at codon 174 of the CIT protein (p.Met174Val). In summary, the available evidence is currently insufficient to determine the role of this variant in disease. Therefore, it has been classified as a Variant of Uncertain Significance.